The following is an entry in ClinVar:

ClinVar aggregate classification (germline): Uncertain significance. Review status: criteria provided, multiple submitters, no conflicts (2 of 4 stars). 6 submissions from 6 submitters: Uncertain significance (5). 1 of the submissions does not count toward it. Last evaluated 2025-12-01.

Conditions:
CFTR-related disorder (CFTR-RD). Also called: CFTR-related disorders; CFTR-related condition. Identifiers: MedGen C5924204, MONDO:7770004.
Cystic fibrosis (CF). Also called: MUCOVISCIDOSIS. Identifiers: Orphanet 586, MedGen C0010674, MONDO:0009061, OMIM 219700. Disease mechanism: loss of function.
Bronchiectasis with or without elevated sweat chloride 1 (BESC1). Also called: Cystic Fibrosis-Like Syndrome. Identifiers: Orphanet 60033, MedGen C2749757, MONDO:0008887, OMIM 211400.
Congenital bilateral aplasia of vas deferens from CFTR mutation (CBAVD). Identifiers: Orphanet 48, MedGen C0403814, MONDO:0010178, OMIM 277180. Disease mechanism: loss of function.
Hereditary pancreatitis (PCTT). Also called: PRSS1-Related Hereditary Pancreatitis; Hereditary chronic pancreatitis. Identifiers: Orphanet 676, MedGen C0238339, MONDO:0008185, OMIM 167800.

Allele frequency attached by ClinVar (database versions not stated): gnomAD exomes below 0.00001; ExAC 0.00001; TOPMed 0.00001.

Submissions (6):

Labcorp Genetics (formerly Invitae), Labcorp
Classification: Uncertain significance for Cystic fibrosis. Last evaluated: 2025-12-01. Review status: criteria provided, single submitter. Criteria: Invitae Variant Classification Sherloc (09022015). Collection method: clinical testing. Allele origin: germline.
Comment: This sequence change replaces methionine, which is neutral and non-polar, with isoleucine, which is neutral and non-polar, at codon 1101 of the CFTR protein (p.Met1101Ile). This variant is present in population databases (rs777445862, gnomAD 0.006%). This variant has not been reported in the literature in individuals affected with CFTR-related conditions. ClinVar contains an entry for this variant (Variation ID: 852701). Invitae Evidence Modeling of protein sequence and biophysical properties (such as structural, functional, and spatial information, amino acid conservation, physicochemical variation, residue mobility, and thermodynamic stability) indicates that this missense variant is not expected to disrupt CFTR protein function with a negative predictive value of 80%. This variant disrupts the p.Met110 amino acid residue in CFTR. Other variant(s) that disrupt this residue have been determined to be pathogenic (PMID: 7680525, 9383031, 9439669, 10439967, 17901983, 22981120, 23974870). This suggests that this residue is clinically significant, and that variants that disrupt this residue are likely to be disease-causing. In summary, the available evidence is currently insufficient to determine the role of this variant in disease. Therefore, it has been classified as a Variant of Uncertain Significance.

PreventionGenetics, part of Exact Sciences
Classification: Uncertain significance for CFTR-related condition. Last evaluated: 2025-09-03. Review status: criteria provided, single submitter. Criteria: ACMG Guidelines, 2015. Collection method: clinical testing. Allele origin: germline.
Comment: The CFTR c.3303G>A variant is predicted to result in the amino acid substitution p.Met1101Ile. To our knowledge, this variant has not been reported in the literature. This variant is reported in 0.0054% of alleles in individuals of East Asian descent in gnomAD. Of note, a different substitution at this amino acid position has been reported in patients with cystic fibrosis (p.Met1101Lys; Liechti-Gallati et al. 1999. PubMed ID: 10439967; Casals et al. 1997. PubMed ID: 9439669; Chong et al. 2012. PubMed ID: 22981120). At this time, the clinical significance of this variant is uncertain due to the absence of conclusive functional and genetic evidence.

Fulgent Genetics
Classification: Uncertain significance for Hereditary pancreatitis; Bronchiectasis with or without elevated sweat chloride 1; Cystic fibrosis; Congenital bilateral aplasia of vas deferens from CFTR mutation. Last evaluated: 2024-03-21. Review status: criteria provided, single submitter. Criteria: ACMG Guidelines, 2015. Collection method: clinical testing. Allele origin: germline.

Ambry Genetics
Classification: Uncertain significance for Cystic fibrosis. Last evaluated: 2023-10-20. Review status: criteria provided, single submitter. Criteria: Ambry Variant Classification Scheme 2023. Collection method: clinical testing. Allele origin: germline.
Comment: The p.M1101I variant (also known as c.3303G>A), located in coding exon 20 of the CFTR gene, results from a G to A substitution at nucleotide position 3303. The methionine at codon 1101 is replaced by isoleucine, an amino acid with highly similar properties. This amino acid position is well conserved in available vertebrate species. In addition, the in silico prediction for this alteration is inconclusive. Since supporting evidence is limited at this time, the clinical significance of this alteration remains unclear.

Blueprint Genetics
Classification: Uncertain significance. Last evaluated: 2021-08-04. Review status: criteria provided, single submitter. Criteria: ACMG Guidelines, 2015. Collection method: clinical testing. Allele origin: germline.

Natera, Inc.
Classification: Uncertain significance for Cystic Fibrosis. Last evaluated: 2020-09-16. Review status: no assertion criteria provided. Collection method: clinical testing. Allele origin: germline. Not counted in ClinVar's aggregate classification.

Literature cited by the submitters: PubMed 7680525 (cited by Labcorp Genetics (formerly Invitae), Labcorp); PubMed 9383031 (cited by Labcorp Genetics (formerly Invitae), Labcorp); PubMed 9439669 (cited by Labcorp Genetics (formerly Invitae), Labcorp); PubMed 10439967 (cited by Labcorp Genetics (formerly Invitae), Labcorp); PubMed 17901983 (cited by Labcorp Genetics (formerly Invitae), Labcorp); PubMed 22981120 (cited by Labcorp Genetics (formerly Invitae), Labcorp); PubMed 23974870 (cited by Labcorp Genetics (formerly Invitae), Labcorp).

NM_000492.4(CFTR):c.3303G>A (p.Met1101Ile)

Genes: CFTR (CF transmembrane conductance regulator; plus strand), CFTR-AS2 (CFTR antisense RNA 2; minus strand), LOC111674472 (DNase I hypersensitive sites in introns 16 and 17a of CFTR; plus strand). Cytogenetic location: 7q31.2.
Variant type: single nucleotide variant.
Coding change: c.3303G>A on transcript NM_000492.4 (MANE Select); coding-DNA position 3303, G replaced by A.
Protein change: p.Met1101Ile; replaces methionine 1101 with isoleucine.
Molecular consequence: missense variant.
Genome position (GRCh38, 1-based): chr7:117,611,744, G>A. VCF-style: chr7-117611744-G-A. GRCh37 (hg19) VCF-style: chr7-117251798-G-A.
Other names: short protein forms M1101I.
Identifiers: ClinVar variation 852701 (VCV000852701.12), dbSNP rs777445862, ClinGen allele CA4451421.